The following is an entry in ClinVar:

NM_182961.4(SYNE1):c.156T>C (p.Asp52=)

Gene: SYNE1 (spectrin repeat containing nuclear envelope protein 1; minus strand). Cytogenetic location: 6q25.2.
Variant type: single nucleotide variant.
Coding change: c.156T>C on transcript NM_182961.4 (MANE Select); coding-DNA position 156, T replaced by C.
Protein change: p.Asp52=; no amino-acid change (aspartic acid 52 retained).
Molecular consequence: synonymous variant.
Genome position (GRCh38, 1-based): chr6:152,526,149, A>G on the plus strand (T>C on the coding strand, the complement: SYNE1 is on the minus strand). VCF-style: chr6-152526149-A-G. GRCh37 (hg19) VCF-style: chr6-152847284-A-G.
Other names: p.Asp52=; c.156T>C, p.Asp52= (NM_033071.5).
Identifiers: ClinVar variation 262165 (VCV000262165.61), dbSNP rs139156106, ClinGen allele CA4059853.
Genomic context (GRCh38, chr6:152,526,149, plus strand): 5'-CCCAGACAGGACCTCCAGAAGGGCAAGCAGTTTAACACCATCTTTCATGTCTTCAAAAAG[A>G]TCGTCCACCACCATTGGAGGTTTCCGCTGTAAAAGCAAAGAGGAATAAGTGCAGAAAATA-3'
Protein context (NP_892006.3, residues 42-62): AKRKPPMVVD[Asp52=]LFEDMKDGVK

ClinVar aggregate classification (germline): Benign/Likely benign. Review status: criteria provided, multiple submitters, no conflicts (2 of 4 stars). 13 submissions from 12 submitters: Benign (7); Likely benign (2). 4 of the submissions do not count toward it. Last evaluated 2026-09-01.

Conditions:
SYNE1-related disorder. Also called: SYNE1-related disorders; SYNE1-related disease; SYNE1-related condition.
Autosomal recessive ataxia, Beauce type. Also called: ATAXIA, RECESSIVE, OF BEAUCE; SYNE1-Related Autosomal Recessive Cerebellar Ataxia; Spinocerebellar ataxia, autosomal recessive 8; SYNE1 Deficiency. Identifiers: Orphanet 88644, MedGen C1853116, MONDO:0012549, OMIM 610743.
Emery-Dreifuss muscular dystrophy 4, autosomal dominant (EDMD4). Also called: EMERY-DREIFUSS MUSCULAR DYSTROPHY 4 WITH VARIABLE FEATURES. Identifiers: Orphanet 261, MedGen C2751807, MONDO:0013071, OMIM 612998.

Allele frequency attached by ClinVar (database versions not stated): 1000 Genomes Project 30x 0.00265; 1000 Genomes Project 0.00280; TOPMed 0.00712; gnomAD exomes 0.00721; gnomAD 0.00761; ExAC 0.00773; ESP Exome Variant Server 0.00838.
gnomAD v4.1: 14,343 of 1,614,130 alleles (0.89%); highest among the groups gnomAD compares: Non-Finnish European, 1%; 90 homozygotes.

Submissions (13):

CeGaT Center for Human Genetics Tuebingen
Classification: Benign. Last evaluated: 2026-09-01. Review status: criteria provided, single submitter. Criteria: CeGaT Center For Human Genetics Tuebingen Variant Classification Criteria Version 2. Collection method: clinical testing. Allele origin: germline. Affected: yes. Observed: 54 variant alleles.
Comment: SYNE1: BP4, BP7, BS1, BS2

Labcorp Genetics (formerly Invitae), Labcorp
Classification: Benign for Emery-Dreifuss muscular dystrophy 4, autosomal dominant; Autosomal recessive ataxia, Beauce type. Last evaluated: 2026-01-27. Review status: criteria provided, single submitter. Criteria: Invitae Variant Classification Sherloc (09022015). Collection method: clinical testing. Allele origin: germline.

Athena Diagnostics
Classification: Benign. Last evaluated: 2024-03-12. Review status: criteria provided, single submitter. Criteria: Athena Diagnostics Criteria. Collection method: clinical testing. Allele origin: unknown.

Mayo Clinic Laboratories, Mayo Clinic
Classification: Benign. Last evaluated: 2018-12-06. Review status: criteria provided, single submitter. Criteria: ACMG Guidelines, 2015. Collection method: clinical testing. Allele origin: germline. Observed: 24 variant alleles.

Illumina Laboratory Services, Illumina
Classification: Benign for Emery-Dreifuss muscular dystrophy 4, autosomal dominant. Last evaluated: 2018-01-13. Review status: criteria provided, single submitter. Criteria: ICSL Variant Classification Criteria 13 December 2019. Collection method: clinical testing. Allele origin: germline.
Comment: This variant was observed in the ICSL laboratory as part of a predisposition screen in an ostensibly healthy population. It had not been previously curated by ICSL or reported in the Human Gene Mutation Database (HGMD: prior to June 1st, 2018), and was therefore a candidate for classification through an automated scoring system. Utilizing variant allele frequency, disease prevalence and penetrance estimates, and inheritance mode, an automated score was calculated to assess if this variant is too frequent to cause the disease. Based on the score and internal cut-off values, a variant classified as benign is not then subjected to further curation. The score for this variant resulted in a classification of benign for this disease.

Illumina Laboratory Services, Illumina
Classification: Benign for Autosomal recessive ataxia, Beauce type. Last evaluated: 2018-01-13. Review status: criteria provided, single submitter. Criteria: ICSL Variant Classification Criteria 13 December 2019. Collection method: clinical testing. Allele origin: germline.
Comment: the same text as in the submission from Illumina Laboratory Services, Illumina above.

Genetic Services Laboratory, University of Chicago
Classification: Likely benign. Last evaluated: 2016-11-22. Review status: criteria provided, single submitter. Criteria: ACMG Guidelines, 2015. Collection method: clinical testing. Allele origin: germline. Affected: no.

GeneDx
Classification: Benign. Last evaluated: 2016-10-21. Review status: criteria provided, single submitter. Criteria: GeneDx Variant Classification (06012015). Collection method: clinical testing. Allele origin: germline. Affected: yes.
Comment: This variant is considered likely benign or benign based on one or more of the following criteria: it is a conservative change, it occurs at a poorly conserved position in the protein, it is predicted to be benign by multiple in silico algorithms, and/or has population frequency not consistent with disease.

Breakthrough Genomics
Classification: Likely benign. Review status: criteria provided, single submitter. Criteria: ACMG Guidelines, 2015. Collection method: not provided. Allele origin: germline. Inheritance: Autosomal recessive inheritance. Affected: yes.

PreventionGenetics, part of Exact Sciences
Classification: Benign for SYNE1-related condition. Last evaluated: 2020-07-23. Review status: no assertion criteria provided. Collection method: clinical testing. Allele origin: germline. Not counted in ClinVar's aggregate classification.
Comment: This variant is classified as benign based on ACMG/AMP sequence variant interpretation guidelines (Richards et al. 2015 PMID: 25741868, with internal and published modifications).

Clinical Genetics DNA and cytogenetics Diagnostics Lab, Erasmus MC, Erasmus Medical Center
Classification: Likely benign. Review status: no assertion criteria provided. Collection method: clinical testing. Allele origin: germline. Affected: yes. Study: VKGL Data-share Consensus. Not counted in ClinVar's aggregate classification.

Diagnostic Laboratory, Department of Genetics, University Medical Center Groningen
Classification: Benign. Review status: no assertion criteria provided. Collection method: clinical testing. Allele origin: germline. Affected: yes. Study: VKGL Data-share Consensus. Not counted in ClinVar's aggregate classification.

Joint Genome Diagnostic Labs from Nijmegen and Maastricht, Radboudumc and MUMC+
Classification: Benign. Review status: no assertion criteria provided. Collection method: clinical testing. Allele origin: germline. Affected: yes. Study: VKGL Data-share Consensus. Not counted in ClinVar's aggregate classification.